The following is an entry in ClinVar:

NM_000321.3(RB1):c.13del (p.Thr5fs)

Gene: RB1 (RB transcriptional corepressor 1; plus strand). Cytogenetic location: 13q14.2.
Variant type: Deletion.
Coding change: c.13del on transcript NM_000321.3 (MANE Select); coding-DNA position 13, one base deleted (A; older notation c.13delA).
Protein change: p.Thr5fs; shifts the reading frame from threonine 5.
Molecular consequence: frameshift variant.
Genome position (GRCh38, 1-based): chr13:48,303,925, A deleted; the last of 4 consecutive A bases (chr13:48,303,922-48,303,925); deleting any one gives the same sequence. VCF-style (leftmost placement, unchanged base first): chr13-48303921-CA-C. GRCh37 (hg19) VCF-style: chr13-48878057-CA-C.
Other names: c.13del, p.Thr5fs (NM_001407165.1, NM_001407166.1, NM_001407167.1); c.13delA (NM_000321.3); short protein forms T5fs.
Identifiers: ClinVar variation 2582267 (VCV002582267.3), dbSNP rs1226865525, ClinGen allele CA609859292.

ClinVar aggregate classification (germline): Pathogenic. Review status: criteria provided, multiple submitters, no conflicts (2 of 4 stars). 3 submissions from 3 submitters: Pathogenic (2). 1 of the submissions does not count toward it. Last evaluated 2024-05-20.

Conditions:
Retinoblastoma (RB1). Also called: RETINOBLASTOMA, SOMATIC. Identifiers: Orphanet 790, MedGen C0035335, MeSH D012175, MONDO:0008380, OMIM 180200, HP:0009919. Disease mechanism: loss of function. Inheritance: Both sporadic and heritable forms are tested..
Malignant tumor of urinary bladder. Also called: Urinary bladder cancer; Bladder cancer; Urinary Bladder Neoplasms. Identifiers: MedGen C0005684, MONDO:0001187, OMIM 109800.

Submissions (3):

Genetic Diagnostic Laboratory, University of Pennsylvania School of Medicine
Classification: Pathogenic for Retinoblastoma. Last evaluated: 2024-05-20. Review status: criteria provided, single submitter. Criteria: ACMG Guidelines, 2015. Collection method: clinical testing. Allele origin: germline. Affected: yes. Observed: 1 variant allele.
Comment: Case and Pedigree Information: BILATERAL CASES:0, UNILATERAL CASES:1, TOTAL CASES:1, PEDIGREES:1. ACMG Codes Applied:PVS1, PM2

Institute of Medical Genetics and Applied Genomics, University Hospital Tübingen
Classification: Pathogenic for Retinoblastoma. Last evaluated: 2023-11-15. Review status: criteria provided, single submitter. Criteria: ACMG Guidelines, 2015. Collection method: clinical testing. Allele origin: germline. Inheritance: Autosomal dominant inheritance. Affected: yes.

Laboratory of Urology, Hospital Clinic de Barcelona
Classification: Uncertain significance for Malignant tumor of urinary bladder. Review status: no assertion criteria provided. Collection method: research. Allele origin: somatic. Affected: yes. Not counted in ClinVar's aggregate classification.